The following is an entry in ClinVar:

ClinVar aggregate classification (germline): Uncertain significance. Review status: criteria provided, multiple submitters, no conflicts (2 of 4 stars). 4 submissions from 4 submitters: Uncertain significance (3). 1 of the submissions does not count toward it. Last evaluated 2025-03-04.

Conditions:
Fanconi anemia complementation group N. Also called: PALB2-Related Fanconi Anemia. Identifiers: Orphanet 84, MedGen C1835817, MONDO:0012565, OMIM 610832. Disease mechanism: loss of function.
Breast-ovarian cancer, familial, susceptibility to, 5 (BROVCA5). Identifiers: MedGen C5830615, MONDO:0957530, OMIM 620442.
Pancreatic cancer, susceptibility to, 3. Identifiers: Orphanet 1333, MedGen C3150547, MONDO:0013236, OMIM 613348.

Submissions (4):

Center for Genomic Medicine, Rigshospitalet, Copenhagen University Hospital
Classification: Uncertain significance. Last evaluated: 2025-03-04. Review status: criteria provided, single submitter. Criteria: ACMG Guidelines, 2015. Collection method: clinical testing. Allele origin: germline.

Fulgent Genetics
Classification: Uncertain significance for Fanconi anemia complementation group N; Pancreatic cancer, susceptibility to, 3; Breast-ovarian cancer, familial, susceptibility to, 5. Last evaluated: 2024-04-16. Review status: criteria provided, single submitter. Criteria: ACMG Guidelines, 2015. Collection method: clinical testing. Allele origin: germline.

GeneDx
Classification: Uncertain significance. Last evaluated: 2017-02-03. Review status: criteria provided, single submitter. Criteria: GeneDx Variant Classification (06012015). Collection method: clinical testing. Allele origin: germline. Affected: yes.
Comment: This variant is denoted PALB2 c.1694G>T at the cDNA level, p.Ser565Ile (S565I) at the protein level, and results in the change of a Serine to an Isoleucine (AGT>ATT). This variant has not, to our knowledge, been published in the literature as pathogenic or benign. PALB2 Ser565Ile was not observed in approximately 6,500 individuals of European and African American ancestry in the NHLBI Exome Sequencing Project, suggesting it is not a common benign variant in these populations. Since Serine and Isoleucine differ in polarity, charge, size or other properties, this is considered a non-conservative amino acid substitution. PALB2 Ser565Ile occurs at a position that is not conserved and is located in the DNA binding region (UniProt). In silico analyses are inconsistent regarding the effect this variant may have on protein structure and function. Based on currently available evidence, it is unclear whether PALB2 Ser565Ile is a pathogenic or benign variant. We consider it to be a variant of uncertain significance.

Leiden Open Variation Database
Classification: Uncertain significance. Last evaluated: 2018-10-10. Review status: no assertion criteria provided. Collection method: curation. Allele origin: germline. Affected: yes. Not counted in ClinVar's aggregate classification.
Comment: Curators: Marc Tischkowitz, Arleen D. Auerbach. Submitter to LOVD: Yukihide Momozawa.

Literature cited by the submitters: PubMed 30287823 (cited by Leiden Open Variation Database).

NM_024675.4(PALB2):c.1694G>T (p.Ser565Ile)

Gene: PALB2 (partner and localizer of BRCA2; minus strand). Cytogenetic location: 16p12.2.
Variant type: single nucleotide variant.
Coding change: c.1694G>T on transcript NM_024675.4 (MANE Select); coding-DNA position 1694, G replaced by T.
Protein change: p.Ser565Ile; replaces serine 565 with isoleucine.
Molecular consequence: missense variant.
Genome position (GRCh38, 1-based): chr16:23,630,460, C>A on the plus strand (G>T on the coding strand, the complement: PALB2 is on the minus strand). VCF-style: chr16-23630460-C-A. GRCh37 (hg19) VCF-style: chr16-23641781-C-A.
Other names: short protein forms S565I.
Identifiers: ClinVar variation 420453 (VCV000420453.5), dbSNP rs876659914, ClinGen allele CA16620141.